The following is an entry in ClinVar:

NM_019892.6(INPP5E):c.166G>C (p.Ala56Pro)

Gene: INPP5E (inositol polyphosphate-5-phosphatase E; minus strand). Cytogenetic location: 9q34.3.
Variant type: single nucleotide variant.
Coding change: c.166G>C on transcript NM_019892.6 (MANE Select); coding-DNA position 166, G replaced by C.
Protein change: p.Ala56Pro; replaces alanine 56 with proline.
Molecular consequence: missense variant.
Genome position (GRCh38, 1-based): chr9:136,439,254, C>G on the plus strand (G>C on the coding strand, the complement: INPP5E is on the minus strand). VCF-style: chr9-136439254-C-G. GRCh37 (hg19) VCF-style: chr9-139333706-C-G.
Other names: c.166G>C, p.Ala56Pro (NM_001318502.2); short protein forms A56P.
Identifiers: ClinVar variation 1504508 (VCV001504508.8), dbSNP rs987360153, ClinGen allele CA201649395.

ClinVar aggregate classification (germline): Uncertain significance (1 of 4 stars; one submission).

Conditions:
Joubert syndrome. Also called: CEREBELLOPARENCHYMAL DISORDER IV; JOUBERT-BOLTSHAUSER SYNDROME; Familial aplasia of the vermis. Identifiers: Orphanet 475, MedGen C5979921, MONDO:0018772.

Allele frequency attached by ClinVar (database versions not stated): gnomAD exomes below 0.00001.
gnomAD v4.1: 1 of 1,510,682 alleles (0.000066%); highest among the groups gnomAD compares: South Asian, 0.0012%; no homozygotes.

Submission:

Labcorp Genetics (formerly Invitae), Labcorp
Classification: Uncertain significance for Joubert syndrome. Last evaluated: 2025-01-06. Review status: criteria provided, single submitter. Criteria: Invitae Variant Classification Sherloc (09022015). Collection method: clinical testing. Allele origin: germline.
Comment: This sequence change replaces alanine, which is neutral and non-polar, with proline, which is neutral and non-polar, at codon 56 of the INPP5E protein (p.Ala56Pro). This variant is not present in population databases (gnomAD no frequency). This variant has not been reported in the literature in individuals affected with INPP5E-related conditions. ClinVar contains an entry for this variant (Variation ID: 1504508). Invitae Evidence Modeling of protein sequence and biophysical properties (such as structural, functional, and spatial information, amino acid conservation, physicochemical variation, residue mobility, and thermodynamic stability) has been performed for this missense variant. However, the output from this modeling did not meet the statistical confidence thresholds required to predict the impact of this variant on INPP5E protein function. In summary, the available evidence is currently insufficient to determine the role of this variant in disease. Therefore, it has been classified as a Variant of Uncertain Significance.